The following is an entry in ClinVar:

NM_020297.4(ABCC9):c.2425-19G>A

Gene: ABCC9 (ATP binding cassette subfamily C member 9; minus strand). Cytogenetic location: 12p12.1.
Variant type: single nucleotide variant.
Coding change: c.2425-19G>A on transcript NM_020297.4 (MANE Select); 19 bases into the intron before coding-DNA position 2425, G replaced by A.
Molecular consequence: intron variant.
Genome position (GRCh38, 1-based): chr12:21,859,685, C>T on the plus strand (G>A on the coding strand, the complement: ABCC9 is on the minus strand). VCF-style: chr12-21859685-C-T. GRCh37 (hg19) VCF-style: chr12-22012619-C-T.
Other names: c.1558-19G>A (NM_001377274.1); c.2425-19G>A (NM_005691.4, NM_001377273.1).
Identifiers: ClinVar variation 3685480 (VCV003685480.2).

ClinVar aggregate classification (germline): Uncertain significance (1 of 4 stars; one submission).

Conditions:
Dilated cardiomyopathy 1O (CMD1O). Also called: CARDIOMYOPATHY, DILATED, WITH VENTRICULAR TACHYCARDIA. Identifiers: Orphanet 154, MedGen C1837839, MONDO:0012062, OMIM 608569.

Submission:

Labcorp Genetics (formerly Invitae), Labcorp
Classification: Uncertain significance for Dilated cardiomyopathy 1O. Last evaluated: 2025-02-26. Review status: criteria provided, single submitter. Criteria: Invitae Variant Classification Sherloc (09022015). Collection method: clinical testing. Allele origin: germline.
Comment: This sequence change falls in intron 19 of the ABCC9 gene. It does not directly change the encoded amino acid sequence of the ABCC9 protein. This variant is not present in population databases (gnomAD no frequency). This variant has not been reported in the literature in individuals affected with ABCC9-related conditions. Algorithms developed to predict the effect of sequence changes on RNA splicing suggest that this variant may disrupt the consensus splice site. In summary, the available evidence is currently insufficient to determine the role of this variant in disease. Therefore, it has been classified as a Variant of Uncertain Significance.